The following is an entry in ClinVar:

ClinVar aggregate classification (germline): Likely benign. Review status: criteria provided, multiple submitters, no conflicts (2 of 4 stars). 3 submissions from 3 submitters: Likely benign (3). Last evaluated 2024-07-01.

Conditions:
Erythrocytosis, familial, 3 (ECYT3). Identifiers: Orphanet 247511, MedGen C1853286, MONDO:0012353, OMIM 609820.

Submissions (3):

CeGaT Center for Human Genetics Tuebingen
Classification: Likely benign. Last evaluated: 2024-07-01. Review status: criteria provided, single submitter. Criteria: CeGaT Center For Human Genetics Tuebingen Variant Classification Criteria Version 2. Collection method: clinical testing. Allele origin: germline. Affected: yes. Observed: 1 variant allele.
Comment: EGLN1: BP4, BP7

Labcorp Genetics (formerly Invitae), Labcorp
Classification: Likely benign for Erythrocytosis, familial, 3. Last evaluated: 2024-01-18. Review status: criteria provided, single submitter. Criteria: Invitae Variant Classification Sherloc (09022015). Collection method: clinical testing. Allele origin: germline.

Ambry Genetics
Classification: Likely benign. Last evaluated: 2022-04-19. Review status: criteria provided, single submitter. Criteria: Ambry Variant Classification Scheme 2023. Collection method: clinical testing. Allele origin: germline.

NM_022051.3(EGLN1):c.1227T>C (p.Gly409=)

Gene: EGLN1 (egl-9 family hypoxia inducible factor 1; minus strand). Cytogenetic location: 1q42.2.
Variant type: single nucleotide variant.
Coding change: c.1227T>C on transcript NM_022051.3 (MANE Select); coding-DNA position 1227, T replaced by C.
Protein change: p.Gly409=; no amino-acid change (glycine 409 retained).
Molecular consequence: synonymous variant. On other transcripts: 3 prime UTR variant (2).
Genome position (GRCh38, 1-based): chr1:231,366,465, A>G on the plus strand (T>C on the coding strand, the complement: EGLN1 is on the minus strand). VCF-style: chr1-231366465-A-G. GRCh37 (hg19) VCF-style: chr1-231502211-A-G.
Other names: c.*7T>C (NM_001377260.1); c.*52T>C (NM_001377261.1).
Identifiers: ClinVar variation 1754648 (VCV001754648.22), dbSNP rs770109705, ClinGen allele CA423904801.